The following is an entry in ClinVar:

ClinVar aggregate classification (germline): Likely benign (1 of 4 stars; one submission).

gnomAD v4.1: 58 of 1,172,730 alleles (0.0049%); highest among the groups gnomAD compares: Non-Finnish European, 0.0065%; no homozygotes.

Submission:

Mayo Clinic Laboratories, Mayo Clinic
Classification: Likely benign. Last evaluated: 2025-01-14. Review status: criteria provided, single submitter. Criteria: ACMG Guidelines, 2015. Collection method: clinical testing. Allele origin: germline. Observed: 1 variant allele.
Comment: BS2, BP4_strong

NM_005334.3(HCFC1):c.3646A>G (p.Ser1216Gly)

Gene: HCFC1 (host cell factor C1; minus strand). Cytogenetic location: Xq28.
Variant type: single nucleotide variant.
Coding change: c.3646A>G on transcript NM_005334.3 (MANE Select); coding-DNA position 3646, A replaced by G.
Protein change: p.Ser1216Gly; replaces serine 1216 with glycine.
Molecular consequence: missense variant.
Genome position (GRCh38, 1-based): chrX:153,954,753, T>C on the plus strand (A>G on the coding strand, the complement: HCFC1 is on the minus strand). VCF-style: chrX-153954753-T-C. GRCh37 (hg19) VCF-style: chrX-153220204-T-C.
Other names: p.Ser1216Gly; c.3646A>G, p.Ser1216Gly (NM_001410705.1, NM_001440843.1, NM_001440844.1 and 5 more transcripts); c.3448A>G, p.Ser1150Gly (NM_001440850.1, NM_001440851.1); short protein forms S1150G, S1216G.
Identifiers: ClinVar variation 4684541 (VCV004684541.1).